The following is an entry in ClinVar:

ClinVar aggregate classification (germline): Benign/Likely benign. Review status: criteria provided, multiple submitters, no conflicts (2 of 4 stars). 4 submissions from 4 submitters: Benign (3); Likely benign (1). Last evaluated 2024-11-15.

Conditions:
Congenital lactic acidosis, Saguenay-Lac-Saint-Jean type (MC4DN5). Also called: CYTOCHROME c OXIDASE DEFICIENCY, FRENCH CANADIAN TYPE; COX DEFICIENCY, FRENCH CANADIAN TYPE; MITOCHONDRIAL COMPLEX IV DEFICIENCY, NUCLEAR TYPE 5. Identifiers: Orphanet 70472, MedGen C1857355, MONDO:0009069, OMIM 220111.

Allele frequency attached by ClinVar (database versions not stated): ExAC 0.00037; gnomAD exomes 0.00047 and 0.00222; gnomAD 0.00066 and 0.00107; TOPMed 0.00106; 1000 Genomes Project 0.00719; 1000 Genomes Project 30x 0.00750.
gnomAD v4.1: 922 of 1,524,338 alleles (0.06%); highest among the groups gnomAD compares: East Asian, 1.7%; 12 homozygotes.

Submissions (4):

Blueprint Genetics
Classification: Likely benign. Last evaluated: 2024-11-15. Review status: criteria provided, single submitter. Criteria: ACMG Guidelines, 2015. Collection method: clinical testing. Allele origin: germline.

Illumina Laboratory Services, Illumina
Classification: Benign for Congenital lactic acidosis, Saguenay-Lac-Saint-Jean type. Last evaluated: 2018-01-13. Review status: criteria provided, single submitter. Criteria: ICSL Variant Classification Criteria 13 December 2019. Collection method: clinical testing. Allele origin: germline.
Comment: This variant was observed in the ICSL laboratory as part of a predisposition screen in an ostensibly healthy population. It had not been previously curated by ICSL or reported in the Human Gene Mutation Database (HGMD: prior to June 1st, 2018), and was therefore a candidate for classification through an automated scoring system. Utilizing variant allele frequency, disease prevalence and penetrance estimates, and inheritance mode, an automated score was calculated to assess if this variant is too frequent to cause the disease. Based on the score and internal cut-off values, a variant classified as benign is not then subjected to further curation. The score for this variant resulted in a classification of benign for this disease.

GeneDx
Classification: Benign. Last evaluated: 2014-04-09. Review status: criteria provided, single submitter. Criteria: GeneDx Variant Classification (06012015). Collection method: clinical testing. Allele origin: germline. Affected: yes.
Comment: This variant is considered likely benign or benign based on one or more of the following criteria: it is a conservative change, it occurs at a poorly conserved position in the protein, it is predicted to be benign by multiple in silico algorithms, and/or has population frequency not consistent with disease.

Breakthrough Genomics
Classification: Benign. Review status: criteria provided, single submitter. Criteria: ACMG Guidelines, 2015. Collection method: not provided. Allele origin: germline. Inheritance: Autosomal recessive inheritance. Affected: yes.

NM_133259.4(LRPPRC):c.-11A>G

Gene: LRPPRC (leucine rich pentatricopeptide repeat containing; minus strand). Cytogenetic location: 2p21.
Variant type: single nucleotide variant.
Coding change: c.-11A>G on transcript NM_133259.4 (MANE Select); 11 bases upstream of the start codon, A replaced by G.
Molecular consequence: 5 prime UTR variant.
Genome position (GRCh38, 1-based): chr2:43,995,958, T>C on the plus strand (A>G on the coding strand, the complement: LRPPRC is on the minus strand). VCF-style: chr2-43995958-T-C. GRCh37 (hg19) VCF-style: chr2-44223097-T-C.
Identifiers: ClinVar variation 138147 (VCV000138147.7), dbSNP rs188424940, ClinGen allele CA291978.